The following is an entry in ClinVar:

ClinVar aggregate classification (germline): Pathogenic/Likely pathogenic. Review status: criteria provided, multiple submitters, no conflicts (2 of 4 stars). 4 submissions from 4 submitters: Pathogenic (3); Likely pathogenic (1). Last evaluated 2026-03-17.

Conditions:
Familial thoracic aortic aneurysm and aortic dissection (TAAD). Also called: Thoracic aortic aneurysms and dissections. Identifiers: Orphanet 91387, MedGen C4707243, MONDO:0019625.
Marfan syndrome (MFS). Also called: FBN1-Related Marfan Syndrome; Marfan syndrome type 1; Marfan's syndrome; Marfan syndrome, classic; MARFAN SYNDROME, TYPE I. Identifiers: Orphanet 284963, Orphanet 558, MedGen C0024796, MONDO:0007947, OMIM 154700.
Marfan Syndrome/Loeys-Dietz Syndrome/Familial Thoracic Aortic Aneurysms and Dissections. Identifiers: MedGen CN229799.
FBN1-related disorder. Also called: FBN1-related disorders.

Submissions (4):

Women's Health and Genetics/Laboratory Corporation of America, LabCorp
Classification: Pathogenic for Marfan Syndrome/Loeys-Dietz Syndrome/Familial Thoracic Aortic Aneurysms and Dissections. Last evaluated: 2026-03-17. Review status: criteria provided, single submitter. Criteria: LabCorp Variant Classification Summary - May 2015. Collection method: clinical testing. Allele origin: germline.
Comment: Variant summary: FBN1 c.7387G>T (p.Glu2463X) results in a premature termination codon, predicted to cause a truncation of the encoded protein or absence of the protein due to nonsense mediated decay, which are commonly known mechanisms for disease. The variant was absent in 251312 control chromosomes. To our knowledge, no occurrence of c.7387G>T in individuals affected with FBN1-related conditions and no experimental evidence demonstrating its impact on protein function have been reported. ClinVar contains an entry for this variant (Variation ID: 632815). Based on the evidence outlined above, the variant was classified as pathogenic.

PreventionGenetics, part of Exact Sciences
Classification: Likely pathogenic for FBN1-related condition. Last evaluated: 2025-07-21. Review status: criteria provided, single submitter. Criteria: ACMG Guidelines, 2015. Collection method: clinical testing. Allele origin: germline.
Comment: The FBN1 c.7387G>T variant is predicted to result in premature protein termination (p.Glu2463*). To our knowledge, this variant has not been reported in the literature or in a large population database (gnomAD), indicating this variant is rare. Nonsense variants in FBN1 are expected to be pathogenic. This variant is interpreted as likely pathogenic.

Ambry Genetics
Classification: Pathogenic for Familial thoracic aortic aneurysm and aortic dissection. Last evaluated: 2022-04-28. Review status: criteria provided, single submitter. Criteria: Ambry Variant Classification Scheme 2023. Collection method: clinical testing. Allele origin: germline.
Comment: The p.E2463* pathogenic mutation (also known as c.7387G>T), located in coding exon 59 of the FBN1 gene, results from a G to T substitution at nucleotide position 7387. This changes the amino acid from a glutamic acid to a stop codon within coding exon 59. This variant is considered to be rare based on population cohorts in the Genome Aggregation Database (gnomAD). This alteration is expected to result in loss of function by premature protein truncation or nonsense-mediated mRNA decay. As such, this alteration is interpreted as a disease-causing mutation.

Labcorp Genetics (formerly Invitae), Labcorp
Classification: Pathogenic for Marfan syndrome; Familial thoracic aortic aneurysm and aortic dissection. Last evaluated: 2021-12-17. Review status: criteria provided, single submitter. Criteria: Invitae Variant Classification Sherloc (09022015). Collection method: clinical testing. Allele origin: germline.
Comment: For these reasons, this variant has been classified as Pathogenic. ClinVar contains an entry for this variant (Variation ID: 632815). This variant has not been reported in the literature in individuals affected with FBN1-related conditions. This variant is not present in population databases (gnomAD no frequency). This sequence change creates a premature translational stop signal (p.Glu2463*) in the FBN1 gene. It is expected to result in an absent or disrupted protein product. Loss-of-function variants in FBN1 are known to be pathogenic (PMID: 17657824, 19293843).

Literature cited by the submitters: PubMed 17657824 (cited by Labcorp Genetics (formerly Invitae), Labcorp); PubMed 19293843 (cited by Labcorp Genetics (formerly Invitae), Labcorp).

NM_000138.5(FBN1):c.7387G>T (p.Glu2463Ter)

Gene: FBN1 (fibrillin 1; minus strand). Cytogenetic location: 15q21.1.
Variant type: single nucleotide variant.
Coding change: c.7387G>T on transcript NM_000138.5 (MANE Select); coding-DNA position 7387, G replaced by T.
Protein change: p.Glu2463Ter; replaces glutamic acid 2463 with a stop codon.
Molecular consequence: nonsense.
Genome position (GRCh38, 1-based): chr15:48,425,435, C>A on the plus strand (G>T on the coding strand, the complement: FBN1 is on the minus strand). VCF-style: chr15-48425435-C-A. GRCh37 (hg19) VCF-style: chr15-48717632-C-A.
Other names: short protein forms E2463*.
Identifiers: ClinVar variation 632815 (VCV000632815.10), dbSNP rs1566892735, ClinGen allele CA392327850.